The following is an entry in ClinVar:

ClinVar aggregate classification (germline): Conflicting classifications of pathogenicity. Review status: criteria provided, conflicting classifications (1 of 4 stars). 2 submissions from 2 submitters: Uncertain significance (1); Likely benign (1). Last evaluated 2024-06-14.

Conditions:
Epilepsy, X-linked 1, with variable learning disabilities and behavior disorders. Also called: X-linked epilepsy-learning disabilities-behavior disorders syndrome. Identifiers: Orphanet 85294, MedGen C5774177, MONDO:0010339, OMIM 300491.
Inborn genetic diseases. Identifiers: MedGen C0950123, MeSH D030342.

Allele frequency attached by ClinVar (database versions not stated): gnomAD exomes 0.00001 and 0.00004; ExAC 0.00002.
gnomAD v4.1: 45 of 1,209,237 alleles (0.0037%); highest among the groups gnomAD compares: Non-Finnish European, 0.005%; no homozygotes.

Submissions (2):

Ambry Genetics
Classification: Likely benign for Inborn genetic diseases. Last evaluated: 2024-06-14. Review status: criteria provided, single submitter. Criteria: Ambry Variant Classification Scheme 2023. Collection method: clinical testing. Allele origin: germline.

Labcorp Genetics (formerly Invitae), Labcorp
Classification: Uncertain significance for Epilepsy, X-linked 1, with variable learning disabilities and behavior disorders. Last evaluated: 2021-08-26. Review status: criteria provided, single submitter. Criteria: Invitae Variant Classification Sherloc (09022015). Collection method: clinical testing. Allele origin: germline.
Comment: This sequence change replaces aspartic acid with asparagine at codon 400 of the SYN1 protein (p.Asp400Asn). The aspartic acid residue is moderately conserved and there is a small physicochemical difference between aspartic acid and asparagine. The frequency data for this variant in the population databases is considered unreliable, as metrics indicate poor data quality at this position in the ExAC database. This variant has not been reported in the literature in individuals affected with SYN1-related conditions. ClinVar contains an entry for this variant (Variation ID: 465087). Algorithms developed to predict the effect of missense changes on protein structure and function are either unavailable or do not agree on the potential impact of this missense change (SIFT: "Deleterious"; PolyPhen-2: "Possibly Damaging"; Align-GVGD: "Class C0"). In summary, the available evidence is currently insufficient to determine the role of this variant in disease. Therefore, it has been classified as a Variant of Uncertain Significance.

Literature cited by the submitters: PubMed 36413997 (cited by Ambry Genetics).

NM_006950.3(SYN1):c.1198G>A (p.Asp400Asn)

Gene: SYN1 (synapsin I; minus strand). Cytogenetic location: Xp11.3.
Variant type: single nucleotide variant.
Coding change: c.1198G>A on transcript NM_006950.3 (MANE Select); coding-DNA position 1198, G replaced by A.
Protein change: p.Asp400Asn; replaces aspartic acid 400 with asparagine.
Molecular consequence: missense variant.
Genome position (GRCh38, 1-based): chrX:47,575,235, C>T on the plus strand (G>A on the coding strand, the complement: SYN1 is on the minus strand). VCF-style: chrX-47575235-C-T. GRCh37 (hg19) VCF-style: chrX-47434634-C-T.
Other names: c.1198G>A, p.Asp400Asn (NM_133499.2); short protein forms D400N.
Identifiers: ClinVar variation 465087 (VCV000465087.9), dbSNP rs772668988, ClinGen allele CA10398389.